The following is an entry in ClinVar:

ClinVar aggregate classification (germline): Uncertain significance. Review status: criteria provided, multiple submitters, no conflicts (2 of 4 stars). 2 submissions from 2 submitters: Uncertain significance (2). Last evaluated 2025-11-12.

Conditions:
Inborn genetic diseases. Identifiers: MedGen C0950123, MeSH D030342.

Allele frequency attached by ClinVar (database versions not stated): TOPMed below 0.00001; ExAC 0.00001; gnomAD 0.00001.

Submissions (2):

Ambry Genetics
Classification: Uncertain significance for Inborn genetic diseases. Last evaluated: 2025-11-12. Review status: criteria provided, single submitter. Criteria: Ambry Variant Classification Scheme 2023. Collection method: clinical testing. Allele origin: germline.

Labcorp Genetics (formerly Invitae), Labcorp
Classification: Uncertain significance. Last evaluated: 2022-07-02. Review status: criteria provided, single submitter. Criteria: Invitae Variant Classification Sherloc (09022015). Collection method: clinical testing. Allele origin: germline.
Comment: In summary, the available evidence is currently insufficient to determine the role of this variant in disease. Therefore, it has been classified as a Variant of Uncertain Significance. Algorithms developed to predict the effect of missense changes on protein structure and function are either unavailable or do not agree on the potential impact of this missense change (SIFT: "Not Available"; PolyPhen-2: "Benign"; Align-GVGD: "Not Available"). This variant has not been reported in the literature in individuals affected with IREB2-related conditions. This variant is present in population databases (rs779025999, gnomAD 0.002%). This sequence change replaces serine, which is neutral and polar, with alanine, which is neutral and non-polar, at codon 425 of the IREB2 protein (p.Ser425Ala).

NM_004136.4(IREB2):c.1273T>G (p.Ser425Ala)

Gene: IREB2 (iron responsive element binding protein 2; plus strand). Cytogenetic location: 15q25.1.
Variant type: single nucleotide variant.
Coding change: c.1273T>G on transcript NM_004136.4 (MANE Select); coding-DNA position 1273, T replaced by G.
Protein change: p.Ser425Ala; replaces serine 425 with alanine.
Molecular consequence: missense variant.
Genome position (GRCh38, 1-based): chr15:78,478,374, T>G. VCF-style: chr15-78478374-T-G. GRCh37 (hg19) VCF-style: chr15-78770716-T-G.
Other names: c.1273T>G (NM_004136.2); c.523T>G, p.Ser175Ala (NM_001320941.2); c.1102T>G, p.Ser368Ala (NM_001320942.2, NM_001354994.2); short protein forms S425A, S175A, S368A.
Identifiers: ClinVar variation 1912635 (VCV001912635.6), dbSNP rs779025999, ClinGen allele CA7682931.